The following is an entry in ClinVar:

ClinVar aggregate classification (germline): Benign. Review status: criteria provided, multiple submitters, no conflicts (2 of 4 stars). 3 submissions from 3 submitters: Benign (2). 1 of the submissions does not count toward it. Last evaluated 2019-12-31.

Conditions:
DROSHA-related disorder. Also called: DROSHA-related condition.

Allele frequency attached by ClinVar (database versions not stated): 1000 Genomes Project 0.00379; 1000 Genomes Project 30x 0.00390; gnomAD 0.00782 and 0.00808; TOPMed 0.00793; ExAC 0.00795; gnomAD exomes 0.00849; ESP Exome Variant Server 0.00850.
gnomAD v4.1: 16,516 of 1,613,926 alleles (1%); highest among the groups gnomAD compares: Non-Finnish European, 1.1%; 129 homozygotes.

Submissions (3):

Labcorp Genetics (formerly Invitae), Labcorp
Classification: Benign. Last evaluated: 2019-12-31. Review status: criteria provided, single submitter. Criteria: Invitae Variant Classification Sherloc (09022015). Collection method: clinical testing. Allele origin: germline.

Breakthrough Genomics
Classification: Benign. Review status: criteria provided, single submitter. Criteria: ACMG Guidelines, 2015. Collection method: not provided. Allele origin: germline. Inheritance: Unknown mechanism. Affected: yes.

PreventionGenetics, part of Exact Sciences
Classification: Benign for DROSHA-related condition. Last evaluated: 2019-12-09. Review status: no assertion criteria provided. Collection method: clinical testing. Allele origin: germline. Not counted in ClinVar's aggregate classification.
Comment: This variant is classified as benign based on ACMG/AMP sequence variant interpretation guidelines (Richards et al. 2015 PMID: 25741868, with internal and published modifications).

NM_001382508.1(DROSHA):c.3597C>T (p.Tyr1199=)

Gene: DROSHA (drosha ribonuclease III; minus strand). Cytogenetic location: 5p13.3.
Variant type: single nucleotide variant.
Coding change: c.3597C>T on transcript NM_001382508.1 (MANE Select); coding-DNA position 3597, C replaced by T.
Protein change: p.Tyr1199=; no amino-acid change (tyrosine 1199 retained).
Molecular consequence: synonymous variant.
Genome position (GRCh38, 1-based): chr5:31,410,816, G>A on the plus strand (C>T on the coding strand, the complement: DROSHA is on the minus strand). VCF-style: chr5-31410816-G-A. GRCh37 (hg19) VCF-style: chr5-31410923-G-A.
Other names: c.3486C>T, p.Tyr1162= (NM_001100412.2); c.3597C>T, p.Tyr1199= (NM_013235.5).
Identifiers: ClinVar variation 776037 (VCV000776037.7), dbSNP rs61748189, ClinGen allele CA3217172.